The following is an entry in ClinVar:

NC_000011.10:g.2000605A>T

Genes: H19 (H19 imprinted maternally expressed transcript; minus strand), H19-ICR (H19/IGF2 imprinting control region; plus strand), MRPL23 (mitochondrial ribosomal protein L23; plus strand). Cytogenetic location: 11p15.5.
Variant type: single nucleotide variant.
Genome position: GRCh38 VCF-style: chr11-2000605-A-T. GRCh37 (hg19) VCF-style: chr11-2021835-A-T.
Identifiers: ClinVar variation 96748 (VCV000096748.2), dbSNP rs431825169, ClinGen allele CA269953.

ClinVar aggregate classification (germline): not provided (0 of 4 stars; one submission).

Conditions:
Beckwith-Wiedemann syndrome (BWS). Also called: EMG SYNDROME; Exomphalos macroglossia gigantism syndrome. Identifiers: Orphanet 116, MedGen C0004903, MONDO:0007534, OMIM 130650.

Submission:

UMR_S938_Pr. Le Bouc INSERM
No classification provided. Condition: Beckwith-Wiedemann syndrome. Review status: no classification provided. Collection method: not provided. Allele origin: germline.